The following is an entry in ClinVar:

ClinVar aggregate classification (germline): Likely benign (1 of 4 stars; one submission).

Allele frequency attached by ClinVar (database versions not stated): TOPMed 0.00001; ExAC 0.00002; gnomAD 0.00002; gnomAD exomes 0.00002.
gnomAD v4.1: 35 of 1,613,956 alleles (0.0022%); highest among the groups gnomAD compares: Admixed American, 0.005%; no homozygotes.

Submission:

CeGaT Center for Human Genetics Tuebingen
Classification: Likely benign. Last evaluated: 2023-02-01. Review status: criteria provided, single submitter. Criteria: CeGaT Center For Human Genetics Tuebingen Variant Classification Criteria Version 2. Collection method: clinical testing. Allele origin: germline. Affected: yes. Observed: 1 variant allele.
Comment: HERC2: BP4, BP7

NM_004667.6(HERC2):c.10968A>C (p.Thr3656=)

Gene: HERC2 (HECT and RLD domain containing E3 ubiquitin protein ligase 2; minus strand). Cytogenetic location: 15q13.1.
Variant type: single nucleotide variant.
Coding change: c.10968A>C on transcript NM_004667.6 (MANE Select); coding-DNA position 10968, A replaced by C.
Protein change: p.Thr3656=; no amino-acid change (threonine 3656 retained).
Molecular consequence: synonymous variant.
Genome position (GRCh38, 1-based): chr15:28,146,277, T>G on the plus strand (A>C on the coding strand, the complement: HERC2 is on the minus strand). VCF-style: chr15-28146277-T-G. GRCh37 (hg19) VCF-style: chr15-28391423-T-G.
Identifiers: ClinVar variation 2645045 (VCV002645045.24), dbSNP rs762985920, ClinGen allele CA7440709.